The following is an entry in ClinVar:

NM_001379500.1(COL18A1):c.306A>C (p.Thr102=)

Gene: COL18A1 (collagen type XVIII alpha 1 chain; plus strand). Cytogenetic location: 21q22.3.
Variant type: single nucleotide variant.
Coding change: c.306A>C on transcript NM_001379500.1 (MANE Select); coding-DNA position 306, A replaced by C.
Protein change: p.Thr102=; no amino-acid change (threonine 102 retained).
Molecular consequence: synonymous variant.
Genome position (GRCh38, 1-based): chr21:45,468,441, A>C. VCF-style: chr21-45468441-A-C. GRCh37 (hg19) VCF-style: chr21-46888355-A-C.
Other names: c.846A>C, p.Thr282= (NM_030582.4); c.1551A>C, p.Thr517= (NM_130444.3); c.846A>C (NM_030582.3).
Identifiers: ClinVar variation 2099557 (VCV002099557.5), dbSNP rs1313928211, ClinGen allele CA512708413.

ClinVar aggregate classification (germline): Likely benign. Review status: criteria provided, multiple submitters, no conflicts (2 of 4 stars). 2 submissions from 2 submitters: Likely benign (2). Last evaluated 2025-08-18.

Conditions:
COL18A1-related disorder. Also called: COL18A1-related condition; COL18A1-related disorders.

Allele frequency attached by ClinVar (database versions not stated): gnomAD exomes below 0.00001; gnomAD 0.00001; TOPMed 0.00001.

Submissions (2):

PreventionGenetics, part of Exact Sciences
Classification: Likely benign for COL18A1-related condition. Last evaluated: 2025-08-18. Review status: criteria provided, single submitter. Criteria: ACMG Guidelines, 2015. Collection method: clinical testing. Allele origin: germline.
Comment: This variant is classified as likely benign based on ACMG/AMP sequence variant interpretation guidelines (Richards et al. 2015 PMID: 25741868, with internal and published modifications).

Labcorp Genetics (formerly Invitae), Labcorp
Classification: Likely benign. Last evaluated: 2024-12-17. Review status: criteria provided, single submitter. Criteria: Invitae Variant Classification Sherloc (09022015). Collection method: clinical testing. Allele origin: germline.